The following is an entry in ClinVar:

ClinVar aggregate classification (germline): Uncertain significance (1 of 4 stars; one submission).

Submission:

Labcorp Genetics (formerly Invitae), Labcorp
Classification: Uncertain significance. Last evaluated: 2022-06-27. Review status: criteria provided, single submitter. Criteria: Invitae Variant Classification Sherloc (09022015). Collection method: clinical testing. Allele origin: germline.
Comment: This sequence change replaces aspartic acid, which is acidic and polar, with glutamic acid, which is acidic and polar, at codon 1537 of the NIN protein (p.Asp1537Glu). This variant is not present in population databases (gnomAD no frequency). This variant has not been reported in the literature in individuals affected with NIN-related conditions. Algorithms developed to predict the effect of missense changes on protein structure and function are either unavailable or do not agree on the potential impact of this missense change (SIFT: "Tolerated"; PolyPhen-2: "Possibly Damaging"; Align-GVGD: "Class C0"). In summary, the available evidence is currently insufficient to determine the role of this variant in disease. Therefore, it has been classified as a Variant of Uncertain Significance.

NM_020921.4(NIN):c.4611T>G (p.Asp1537Glu)

Gene: NIN (ninein; minus strand). Cytogenetic location: 14q22.1.
Variant type: single nucleotide variant.
Coding change: c.4611T>G on transcript NM_020921.4 (MANE Select); coding-DNA position 4611, T replaced by G.
Protein change: p.Asp1537Glu; replaces aspartic acid 1537 with glutamic acid.
Molecular consequence: missense variant.
Genome position (GRCh38, 1-based): chr14:50,754,795, A>C on the plus strand (T>G on the coding strand, the complement: NIN is on the minus strand). VCF-style: chr14-50754795-A-C. GRCh37 (hg19) VCF-style: chr14-51221513-A-C.
Other names: c.2472T>G, p.Asp824Glu (NM_016350.5); c.4611T>G, p.Asp1537Glu (NM_182944.3, NM_182946.2); short protein forms D1537E, D824E.
Identifiers: ClinVar variation 2011424 (VCV002011424.4), dbSNP rs917669639, ClinGen allele CA389689544.